The following is an entry in ClinVar:

NM_001009944.3(PKD1):c.-6C>T

Gene: PKD1 (polycystin 1, transient receptor potential channel interacting; minus strand). Cytogenetic location: 16p13.3.
Variant type: single nucleotide variant.
Coding change: c.-6C>T on transcript NM_001009944.3 (MANE Select); 6 bases upstream of the start codon, C replaced by T.
Molecular consequence: 5 prime UTR variant.
Genome position (GRCh38, 1-based): chr16:2,135,695, G>A on the plus strand (C>T on the coding strand, the complement: PKD1 is on the minus strand). VCF-style: chr16-2135695-G-A. GRCh37 (hg19) VCF-style: chr16-2185696-G-A.
Other names: c.-6C>T (NM_000296.4).
Identifiers: ClinVar variation 4995310 (VCV004995310.1).

ClinVar aggregate classification (germline): Likely benign (1 of 4 stars; one submission).

Conditions:
PKD1-related disorder. Also called: PKD1-related condition.

gnomAD v4.1: 33 of 863,378 alleles (0.0038%); highest among the groups gnomAD compares: African/African-American, 0.053%; no homozygotes.

Submission:

PreventionGenetics, part of Exact Sciences
Classification: Likely benign for PKD1-related condition. Last evaluated: 2026-02-06. Review status: criteria provided, single submitter. Criteria: ACMG Guidelines, 2015. Collection method: clinical testing. Allele origin: germline.
Comment: This variant is classified as likely benign based on ACMG/AMP sequence variant interpretation guidelines (Richards et al. 2015 PMID: 25741868, with internal and published modifications).